The following is an entry in ClinVar:

NM_004928.3(CFAP410):c.505G>A (p.Glu169Lys)

Gene: CFAP410 (cilia and flagella associated protein 410; minus strand). Cytogenetic location: 21q22.3.
Variant type: single nucleotide variant.
Coding change: c.505G>A on transcript NM_004928.3 (MANE Select); coding-DNA position 505, G replaced by A.
Protein change: p.Glu169Lys; replaces glutamic acid 169 with lysine.
Molecular consequence: missense variant.
Genome position (GRCh38, 1-based): chr21:44,331,883, C>T on the plus strand (G>A on the coding strand, the complement: CFAP410 is on the minus strand). VCF-style: chr21-44331883-C-T. GRCh37 (hg19) VCF-style: chr21-45751766-C-T.
Other names: c.505G>A, p.Glu169Lys (NM_001271440.2, NM_001271441.2); c.382G>A, p.Glu128Lys (NM_001271442.1); short protein forms E128K, E169K.
Identifiers: ClinVar variation 723013 (VCV000723013.13), dbSNP rs78738212, ClinGen allele CA10053651.
Genomic context (GRCh38, chr21:44,331,883, plus strand): 5'-CCGCTGCCCTCCAGCCTCACGTTGCCTCCTCCTCGCTGTCCAGCGGGTCCCGGCCAGTCT[C>T]AGCAGCGGAGCTGAGGGAGCTCAGTGTGCAGCATAGCTTGGGGCCGCCGTGGCCTGTGCC-3'
Protein context (NP_004919.1, residues 159-179): CTLSSLSSAA[Glu169Lys]TGRDPLDSEE

ClinVar aggregate classification (germline): Likely benign. Review status: criteria provided, multiple submitters, no conflicts (2 of 4 stars). 3 submissions from 3 submitters: Likely benign (2). 1 of the submissions does not count toward it. Last evaluated 2025-12-23.

Conditions:
CFAP410-related disorder. Also called: CFAP410-related condition.

Allele frequency attached by ClinVar (database versions not stated): gnomAD exomes 0.00009 and 0.00025; ExAC 0.00034; 1000 Genomes Project 30x 0.00109; ESP Exome Variant Server 0.00115; gnomAD 0.00116 and 0.00126; 1000 Genomes Project 0.00120; TOPMed 0.00138.
gnomAD v4.1: 314 of 1,612,784 alleles (0.019%); highest among the groups gnomAD compares: African/African-American, 0.37%; no homozygotes.

Submissions (3):

Labcorp Genetics (formerly Invitae), Labcorp
Classification: Likely benign. Last evaluated: 2025-12-23. Review status: criteria provided, single submitter. Criteria: Invitae Variant Classification Sherloc (09022015). Collection method: clinical testing. Allele origin: germline.

Blueprint Genetics
Classification: Likely benign. Last evaluated: 2024-09-16. Review status: criteria provided, single submitter. Criteria: ACMG Guidelines, 2015. Collection method: clinical testing. Allele origin: germline.

PreventionGenetics, part of Exact Sciences
Classification: Likely benign for CFAP410-related condition. Last evaluated: 2024-04-28. Review status: no assertion criteria provided. Collection method: clinical testing. Allele origin: germline. Not counted in ClinVar's aggregate classification.
Comment: This variant is classified as likely benign based on ACMG/AMP sequence variant interpretation guidelines (Richards et al. 2015 PMID: 25741868, with internal and published modifications).